The following is an entry in ClinVar:

NM_030931.4(DEFB126):c.163_166del (p.Gln55fs)

Gene: DEFB126 (defensin beta 126; plus strand). Cytogenetic location: 20p13.
Variant type: Microsatellite.
Coding change: c.163_166del on transcript NM_030931.4 (MANE Select); coding-DNA positions 163 to 166, 4 bases deleted (CAAA; older notation c.163_166delCAAA).
Protein change: p.Gln55fs; shifts the reading frame from glutamine 55.
Molecular consequence: frameshift variant.
Genome position (GRCh38, 1-based): chr20:145,519-145,522, CAAA deleted; deleting any 4 consecutive bases within chr20:145,515-145,522 gives the same sequence; the c. name uses the placement nearest the transcript's 3' end. VCF-style (leftmost placement, unchanged base first): chr20-145514-GCAAA-G. GRCh37 (hg19) VCF-style: chr20-126155-GCAAA-G.
Other names: short protein forms Q55fs.
Identifiers: ClinVar variation 402585 (VCV000402585.4), dbSNP rs11467497, ClinGen allele CA9720963.
Genomic context (GRCh38, chr20:145,514, plus strand): 5'-TTTGCAAGAAGAAGTGCAAACCTGAAGAGATGCATGTAAAGAATGGTTGGGCAATGTGCG[GCAAA>G]CAAAGGGACTGCTGTGTTCCAGCTGACAGACGTGCTAATTATCCTGTTTTCTGTGTCCAG-3'

ClinVar aggregate classification (germline): Benign (1 of 4 stars; one submission).

Submission:

Laboratory for Molecular Medicine, Mass General Brigham Personalized Medicine
Classification: Benign. Last evaluated: 2016-03-29. Review status: criteria provided, single submitter. Criteria: LMM Criteria. Collection method: clinical testing. Allele origin: germline.
Comment: Variant identified in a genome or exome case(s) and assessed due to predicted null impact of the variant or pathogenic assertions in the literature or databases. Disclaimer: This variant has not undergone full assessment. The following are preliminary notes: Frequency in ESP (all): 2401/12518=19.1%